The following is an entry in ClinVar:

NM_003482.4(KMT2D):c.1793G>A (p.Arg598His)

Gene: KMT2D (lysine methyltransferase 2D; minus strand). Cytogenetic location: 12q13.12.
Variant type: single nucleotide variant.
Coding change: c.1793G>A on transcript NM_003482.4 (MANE Select); coding-DNA position 1793, G replaced by A.
Protein change: p.Arg598His; replaces arginine 598 with histidine.
Molecular consequence: missense variant.
Genome position (GRCh38, 1-based): chr12:49,051,890, C>T on the plus strand (G>A on the coding strand, the complement: KMT2D is on the minus strand). VCF-style: chr12-49051890-C-T. GRCh37 (hg19) VCF-style: chr12-49445673-C-T.
Other names: c.1793G>A (NM_003482.3); short protein forms R598H.
Identifiers: ClinVar variation 1611462 (VCV001611462.34), dbSNP rs377761041, ClinGen allele CA6548416.

ClinVar aggregate classification (germline): Likely benign. Review status: criteria provided, multiple submitters, no conflicts (2 of 4 stars). 4 submissions from 4 submitters: Likely benign (3). 1 of the submissions does not count toward it. Last evaluated 2025-12-19.

Conditions:
Kabuki syndrome. Also called: NIIKAWA-KUROKI SYNDROME; Kabuki make-up syndrome. Identifiers: Orphanet 2322, MedGen C0796004, MONDO:0016512.
Inborn genetic diseases. Identifiers: MedGen C0950123, MeSH D030342.
KMT2D-related disorder. Also called: KMT2D-Related Disorders.

Allele frequency attached by ClinVar (database versions not stated): ExAC 0.00010; gnomAD 0.00010 and 0.00011; gnomAD exomes 0.00011 and 0.00013; ESP Exome Variant Server 0.00016.
gnomAD v4.1: 166 of 1,601,566 alleles (0.01%); highest among the groups gnomAD compares: Admixed American, 0.029%; no homozygotes.

Submissions (4):

Labcorp Genetics (formerly Invitae), Labcorp
Classification: Likely benign for Kabuki syndrome. Last evaluated: 2025-12-19. Review status: criteria provided, single submitter. Criteria: Invitae Variant Classification Sherloc (09022015). Collection method: clinical testing. Allele origin: germline.

CeGaT Center for Human Genetics Tuebingen
Classification: Likely benign. Last evaluated: 2022-08-01. Review status: criteria provided, single submitter. Criteria: CeGaT Center For Human Genetics Tuebingen Variant Classification Criteria Version 2. Collection method: clinical testing. Allele origin: germline. Affected: yes. Observed: 1 variant allele.
Comment: KMT2D: PP2, BP4, BS2

Ambry Genetics
Classification: Likely benign for Inborn genetic diseases. Last evaluated: 2022-03-02. Review status: criteria provided, single submitter. Criteria: Ambry Variant Classification Scheme 2023. Collection method: clinical testing. Allele origin: germline.

PreventionGenetics, part of Exact Sciences
Classification: Likely benign for KMT2D-related condition. Last evaluated: 2022-04-27. Review status: no assertion criteria provided. Collection method: clinical testing. Allele origin: germline. Not counted in ClinVar's aggregate classification.
Comment: This variant is classified as likely benign based on ACMG/AMP sequence variant interpretation guidelines (Richards et al. 2015 PMID: 25741868, with internal and published modifications).